The following is an entry in ClinVar:

NM_001042517.2(DIAPH3):c.3397G>A (p.Ala1133Thr)

Gene: DIAPH3 (diaphanous related formin 3; minus strand). Cytogenetic location: 13q21.2.
Variant type: single nucleotide variant.
Coding change: c.3397G>A on transcript NM_001042517.2 (MANE Select); coding-DNA position 3397, G replaced by A.
Protein change: p.Ala1133Thr; replaces alanine 1133 with threonine.
Molecular consequence: missense variant.
Genome position (GRCh38, 1-based): chr13:59,666,769, C>T on the plus strand (G>A on the coding strand, the complement: DIAPH3 is on the minus strand). VCF-style: chr13-59666769-C-T. GRCh37 (hg19) VCF-style: chr13-60240903-C-T.
Other names: c.3364G>A, p.Ala1122Thr (NM_001258366.2); c.3259G>A, p.Ala1087Thr (NM_001258367.2); c.3187G>A, p.Ala1063Thr (NM_001258368.2); short protein forms A1063T, A1087T, A1122T, A1133T.
Identifiers: ClinVar variation 1189868 (VCV001189868.8), dbSNP rs188721921, ClinGen allele CA6996042.

ClinVar aggregate classification (germline): Conflicting classifications of pathogenicity. Review status: criteria provided, conflicting classifications (1 of 4 stars). 2 submissions from 2 submitters: Uncertain significance (1); Likely benign (1). Last evaluated 2022-06-05.

Allele frequency attached by ClinVar (database versions not stated): 1000 Genomes Project 0.00020; 1000 Genomes Project 30x 0.00031.
gnomAD v4.1: 13 of 1,614,100 alleles (0.00081%); highest among the groups gnomAD compares: East Asian, 0.0089%; no homozygotes.

Submissions (2):

Labcorp Genetics (formerly Invitae), Labcorp
Classification: Uncertain significance. Last evaluated: 2022-06-05. Review status: criteria provided, single submitter. Criteria: Invitae Variant Classification Sherloc (09022015). Collection method: clinical testing. Allele origin: germline.
Comment: This sequence change replaces alanine, which is neutral and non-polar, with threonine, which is neutral and polar, at codon 1133 of the DIAPH3 protein (p.Ala1133Thr). This variant is present in population databases (rs188721921, gnomAD 0.02%). This variant has not been reported in the literature in individuals affected with DIAPH3-related conditions. ClinVar contains an entry for this variant (Variation ID: 1189868). Algorithms developed to predict the effect of missense changes on protein structure and function output the following: SIFT: "Tolerated"; PolyPhen-2: "Benign"; Align-GVGD: "Class C0". The threonine amino acid residue is found in multiple mammalian species, which suggests that this missense change does not adversely affect protein function. In summary, the available evidence is currently insufficient to determine the role of this variant in disease. Therefore, it has been classified as a Variant of Uncertain Significance.

GeneDx
Classification: Likely benign. Last evaluated: 2021-04-27. Review status: criteria provided, single submitter. Criteria: GeneDx Variant Classification Process June 2021. Collection method: clinical testing. Allele origin: germline. Affected: yes.
Comment: In silico analysis supports that this missense variant does not alter protein structure/function; Has not been previously published as pathogenic or benign to our knowledge